The following is an entry in ClinVar:

NM_001080466.2(BTBD17):c.957C>T (p.Pro319=)

Gene: BTBD17 (BTB domain containing 17; minus strand). Cytogenetic location: 17q25.1.
Variant type: single nucleotide variant.
Coding change: c.957C>T on transcript NM_001080466.2 (MANE Select); coding-DNA position 957, C replaced by T.
Protein change: p.Pro319=; no amino-acid change (proline 319 retained).
Molecular consequence: synonymous variant.
Genome position (GRCh38, 1-based): chr17:74,357,137, G>A on the plus strand (C>T on the coding strand, the complement: BTBD17 is on the minus strand). VCF-style: chr17-74357137-G-A. GRCh37 (hg19) VCF-style: chr17-72353276-G-A.
Identifiers: ClinVar variation 3250634 (VCV003250634.18), dbSNP rs2509858073.
Genomic context (GRCh38, chr17:74,357,137, plus strand): 5'-GAAGCTGGTGCTGCGGTCGTCGCGGGCCGGGTTGTTGATGACCCACGGGGCGCCCCAGGC[G>A]GGCGCGAGGTAGTTGCGGGGCAGGAAGGCGCTGCCGTTGACGTCGAAGAACTTGGCGTAG-3'
Protein context (NP_001073935.1, residues 309-329): SAFLPRNYLA[Pro319=]AWGAPWVINN

ClinVar aggregate classification (germline): Likely benign (1 of 4 stars; one submission).

Allele frequency attached by ClinVar (database versions not stated): gnomAD exomes below 0.00001.

Submission:

CeGaT Center for Human Genetics Tuebingen
Classification: Likely benign. Last evaluated: 2026-08-01. Review status: criteria provided, single submitter. Criteria: CeGaT Center For Human Genetics Tuebingen Variant Classification Criteria Version 2. Collection method: clinical testing. Allele origin: germline. Affected: yes. Observed: 5 variant alleles.
Comment: BTBD17: BP4, BP7